The following is an entry in ClinVar:

ClinVar aggregate classification (germline): Uncertain significance. Review status: criteria provided, multiple submitters, no conflicts (2 of 4 stars). 2 submissions from 2 submitters: Uncertain significance (2). Last evaluated 2024-05-15.

Allele frequency attached by ClinVar (database versions not stated): gnomAD exomes below 0.00001; TOPMed below 0.00001.
gnomAD v4.1: 2 of 1,614,022 alleles (0.00012%); highest among the groups gnomAD compares: Non-Finnish European, 0.000085%; no homozygotes.

Submissions (2):

Labcorp Genetics (formerly Invitae), Labcorp
Classification: Uncertain significance. Last evaluated: 2024-05-15. Review status: criteria provided, single submitter. Criteria: Invitae Variant Classification Sherloc (09022015). Collection method: clinical testing. Allele origin: germline.
Comment: This sequence change replaces isoleucine, which is neutral and non-polar, with valine, which is neutral and non-polar, at codon 1135 of the NPAT protein (p.Ile1135Val). This variant is not present in population databases (gnomAD no frequency). This variant has not been reported in the literature in individuals affected with NPAT-related conditions. ClinVar contains an entry for this variant (Variation ID: 1731094). Algorithms developed to predict the effect of missense changes on protein structure and function output the following: SIFT: "Not Available"; PolyPhen-2: "Benign"; Align-GVGD: "Not Available". The valine amino acid residue is found in multiple mammalian species, which suggests that this missense change does not adversely affect protein function. In summary, the available evidence is currently insufficient to determine the role of this variant in disease. Therefore, it has been classified as a Variant of Uncertain Significance.

Ambry Genetics
Classification: Uncertain significance. Last evaluated: 2021-12-23. Review status: criteria provided, single submitter. Criteria: Ambry Variant Classification Scheme 2023. Collection method: clinical testing. Allele origin: germline.
Comment: The p.I1135V variant (also known as c.3403A>G), located in coding exon 17 of the NPAT gene, results from an A to G substitution at nucleotide position 3403. The isoleucine at codon 1135 is replaced by valine, an amino acid with highly similar properties. This amino acid position is conserved. In addition, this alteration is predicted to be tolerated by in silico analysis. Since supporting evidence is limited at this time, the clinical significance of this alteration remains unclear.

NM_002519.3(NPAT):c.3403A>G (p.Ile1135Val)

Gene: NPAT (nuclear protein, coactivator of histone transcription; minus strand). Cytogenetic location: 11q22.3.
Variant type: single nucleotide variant.
Coding change: c.3403A>G on transcript NM_002519.3 (MANE Select); coding-DNA position 3403, A replaced by G.
Protein change: p.Ile1135Val; replaces isoleucine 1135 with valine.
Molecular consequence: missense variant.
Genome position (GRCh38, 1-based): chr11:108,161,683, T>C on the plus strand (A>G on the coding strand, the complement: NPAT is on the minus strand). VCF-style: chr11-108161683-T-C. GRCh37 (hg19) VCF-style: chr11-108032410-T-C.
Other names: c.3424A>G, p.Ile1142Val (NM_001321307.1); short protein forms I1135V, I1142V.
Identifiers: ClinVar variation 1731094 (VCV001731094.4), dbSNP rs2077852048, ClinGen allele CA382510887.